The following is an entry in ClinVar:

ClinVar aggregate classification (germline): Benign (1 of 4 stars; one submission).

Allele frequency attached by ClinVar (database versions not stated): gnomAD 0.05022 and 0.05413; 1000 Genomes Project 0.08566; TOPMed 0.05652; 1000 Genomes Project 30x 0.08463.
gnomAD v4.1: 8,159 of 152,300 alleles (5.4%); highest among the groups gnomAD compares: South Asian, 16%; 361 homozygotes.

Submission:

GeneDx
Classification: Benign. Last evaluated: 2018-06-16. Review status: criteria provided, single submitter. Criteria: GeneDx Variant Classification (06012015). Collection method: clinical testing. Allele origin: germline. Affected: yes.
Comment: This variant is considered likely benign or benign based on one or more of the following criteria: it is a conservative change, it occurs at a poorly conserved position in the protein, it is predicted to be benign by multiple in silico algorithms, and/or has population frequency not consistent with disease.

NM_001267550.2(TTN):c.9163+213A>G

Gene: TTN (titin; minus strand). Cytogenetic location: 2q31.2.
Variant type: single nucleotide variant.
Coding change: c.9163+213A>G on transcript NM_001267550.2 (MANE Select); 213 bases into the intron after coding-DNA position 9163, A replaced by G.
Molecular consequence: intron variant.
Genome position (GRCh38, 1-based): chr2:178,768,460, T>C on the plus strand (A>G on the coding strand, the complement: TTN is on the minus strand). VCF-style: chr2-178768460-T-C. GRCh37 (hg19) VCF-style: chr2-179633187-T-C.
Other names: c.9163+213A>G (NM_001256850.1, NM_133378.4, NM_133379.5); c.9025+213A>G (NM_003319.4, NM_133437.4, NM_133432.3).
Identifiers: ClinVar variation 672996 (VCV000672996.1), dbSNP rs72647888, ClinGen allele CA11260889.
Genomic context (GRCh38, chr2:178,768,460, plus strand): 5'-CATCTCTATAGATTTGTGTATCTTGGACATTTCATATAAATGGAATCATACAATATGTGG[T>C]CTTTGTATGGTCTCTGGCTTCTTTCACTTAGCATAAAGTTTTAAAGGTTCATCCATGTTG-3'